The following is an entry in ClinVar:

NM_000057.4(BLM):c.3385G>C (p.Gly1129Arg)

Gene: BLM (BLM RecQ like helicase; plus strand). Cytogenetic location: 15q26.1.
Variant type: single nucleotide variant.
Coding change: c.3385G>C on transcript NM_000057.4 (MANE Select); coding-DNA position 3385, G replaced by C.
Protein change: p.Gly1129Arg; replaces glycine 1129 with arginine.
Molecular consequence: missense variant. On other transcripts: intron variant (1).
Genome position (GRCh38, 1-based): chr15:90,803,547, G>C. VCF-style: chr15-90803547-G-C. GRCh37 (hg19) VCF-style: chr15-91346777-G-C.
Other names: c.3385G>C, p.Gly1129Arg (NM_001287246.2); c.2260G>C, p.Gly754Arg (NM_001287248.2); c.3358+5210G>C (NM_001287247.2); short protein forms G1129R, G754R.
Identifiers: ClinVar variation 1348890 (VCV001348890.7), dbSNP rs781287681, ClinGen allele CA7739026.

ClinVar aggregate classification (germline): Uncertain significance. Review status: criteria provided, multiple submitters, no conflicts (2 of 4 stars). 2 submissions from 2 submitters: Uncertain significance (2). Last evaluated 2024-09-13.

Conditions:
Hereditary cancer-predisposing syndrome. Also called: Hereditary neoplastic syndrome; Tumor predisposition; Neoplastic Syndromes, Hereditary; Hereditary Cancer Syndrome. Identifiers: Orphanet 140162, MedGen C0027672, MeSH D009386, MONDO:0015356.
Bloom syndrome (BLM). Also called: Bloom-Torre-Machacek syndrome. Identifiers: Orphanet 125, MedGen C0005859, MONDO:0008876, OMIM 210900.

Allele frequency attached by ClinVar (database versions not stated): ExAC 0.00001; gnomAD exomes 0.00001.
gnomAD v4.1: 10 of 1,613,776 alleles (0.00062%); highest among the groups gnomAD compares: East Asian, 0.02%; no homozygotes.

Submissions (2):

Ambry Genetics
Classification: Uncertain significance for Hereditary cancer-predisposing syndrome. Last evaluated: 2024-09-13. Review status: criteria provided, single submitter. Criteria: Ambry Variant Classification Scheme 2023. Collection method: clinical testing. Allele origin: germline.
Comment: The p.G1129R variant (also known as c.3385G>C), located in coding exon 17 of the BLM gene, results from a G to C substitution at nucleotide position 3385. The glycine at codon 1129 is replaced by arginine, an amino acid with dissimilar properties. This amino acid position is conserved. In addition, the in silico prediction for this alteration is inconclusive. Since supporting evidence is limited at this time, the clinical significance of this alteration remains unclear.

Labcorp Genetics (formerly Invitae), Labcorp
Classification: Uncertain significance for Bloom syndrome. Last evaluated: 2023-04-28. Review status: criteria provided, single submitter. Criteria: Invitae Variant Classification Sherloc (09022015). Collection method: clinical testing. Allele origin: germline.
Comment: In summary, the available evidence is currently insufficient to determine the role of this variant in disease. Therefore, it has been classified as a Variant of Uncertain Significance. Advanced modeling of protein sequence and biophysical properties (such as structural, functional, and spatial information, amino acid conservation, physicochemical variation, residue mobility, and thermodynamic stability) performed at Invitae indicates that this missense variant is not expected to disrupt BLM protein function. ClinVar contains an entry for this variant (Variation ID: 1348890). This variant has not been reported in the literature in individuals affected with BLM-related conditions. This variant is present in population databases (rs781287681, gnomAD 0.0009%). This sequence change replaces glycine, which is neutral and non-polar, with arginine, which is basic and polar, at codon 1129 of the BLM protein (p.Gly1129Arg).